The following is an entry in ClinVar:

NM_005045.4(RELN):c.8392C>T (p.Pro2798Ser)

Genes: SLC26A5-AS1 (SLC26A5 antisense RNA 1; plus strand), RELN (reelin; minus strand). Cytogenetic location: 7q22.1.
Variant type: single nucleotide variant.
Coding change: c.8392C>T on transcript NM_005045.4 (MANE Select); coding-DNA position 8392, C replaced by T.
Protein change: p.Pro2798Ser; replaces proline 2798 with serine.
Molecular consequence: missense variant.
Genome position (GRCh38, 1-based): chr7:103,503,113, G>A on the plus strand (C>T on the coding strand, the complement: RELN is on the minus strand). VCF-style: chr7-103503113-G-A. GRCh37 (hg19) VCF-style: chr7-103143560-G-A.
Other names: c.8392C>T, p.Pro2798Ser (NM_173054.3); short protein forms P2798S.
Identifiers: ClinVar variation 2949827 (VCV002949827.3), dbSNP rs1829089505, ClinGen allele CA368757227.

ClinVar aggregate classification (germline): Uncertain significance (1 of 4 stars; one submission).

Conditions:
Norman-Roberts syndrome (LIS2). Also called: Lissencephaly 2 (Norman-Roberts type). Identifiers: Orphanet 89844, MedGen C0796089, MONDO:0009760, OMIM 257320.
Familial temporal lobe epilepsy 7. Identifiers: Orphanet 101046, MedGen C4225327, MONDO:0014639, OMIM 616436.

Allele frequency attached by ClinVar (database versions not stated): TOPMed below 0.00001.

Submission:

Labcorp Genetics (formerly Invitae), Labcorp
Classification: Uncertain significance for Familial temporal lobe epilepsy 7; Norman-Roberts syndrome. Last evaluated: 2023-07-13. Review status: criteria provided, single submitter. Criteria: Invitae Variant Classification Sherloc (09022015). Collection method: clinical testing. Allele origin: germline.
Comment: This sequence change replaces proline, which is neutral and non-polar, with serine, which is neutral and polar, at codon 2798 of the RELN protein (p.Pro2798Ser). In summary, the available evidence is currently insufficient to determine the role of this variant in disease. Therefore, it has been classified as a Variant of Uncertain Significance. Advanced modeling of protein sequence and biophysical properties (such as structural, functional, and spatial information, amino acid conservation, physicochemical variation, residue mobility, and thermodynamic stability) performed at Invitae indicates that this missense variant is not expected to disrupt RELN protein function. This variant has not been reported in the literature in individuals affected with RELN-related conditions. This variant is not present in population databases (gnomAD no frequency).